The following is an entry in ClinVar:

ClinVar aggregate classification (germline): Uncertain significance. Review status: criteria provided, multiple submitters, no conflicts (2 of 4 stars). 5 submissions from 5 submitters: Uncertain significance (4). 1 of the submissions does not count toward it. Last evaluated 2025-03-04.

Conditions:
Hereditary cancer-predisposing syndrome. Also called: Tumor predisposition; Hereditary neoplastic syndrome; Neoplastic Syndromes, Hereditary; Hereditary Cancer Syndrome. Identifiers: Orphanet 140162, MedGen C0027672, MeSH D009386, MONDO:0015356.
Breast-ovarian cancer, familial, susceptibility to, 4. Identifiers: Orphanet 145, MedGen C3280345, MONDO:0013669, OMIM 614291.
Malignant tumor of breast. Also called: Malignant breast neoplasm; Cancer breast. Identifiers: MedGen C0006142, MONDO:0007254. Disease mechanism: loss of function.

Allele frequency attached by ClinVar (database versions not stated): gnomAD exomes below 0.00001; TOPMed below 0.00001; ExAC 0.00001; gnomAD 0.00001.
gnomAD v4.1: 6 of 1,612,258 alleles (0.00037%); highest among the groups gnomAD compares: Non-Finnish European, 0.00051%; no homozygotes.

Submissions (5):

Color Diagnostics, LLC DBA Color Health
Classification: Uncertain significance for Hereditary cancer-predisposing syndrome. Last evaluated: 2025-03-04. Review status: criteria provided, single submitter. Criteria: ACMG Guidelines, 2015. Collection method: clinical testing. Allele origin: germline.
Comment: This missense variant replaces leucine with proline at codon 164 of the RAD51D protein. Computational prediction tool suggests that this variant may have deleterious impact on protein structure and function. To our knowledge, functional studies have not been performed for this variant. This variant has been reported in individuals affected with breast cancer and ovarian cancer (PMID: 26261251, 26976419, 32885271). This variant has also been identified in 1/247590 chromosomes in the general population by the Genome Aggregation Database (gnomAD). The available evidence is insufficient to determine the role of this variant in disease conclusively. Therefore, this variant is classified as a Variant of Uncertain Significance.

Labcorp Genetics (formerly Invitae), Labcorp
Classification: Uncertain significance for Breast-ovarian cancer, familial, susceptibility to, 4. Last evaluated: 2024-08-01. Review status: criteria provided, single submitter. Criteria: Invitae Variant Classification Sherloc (09022015). Collection method: clinical testing. Allele origin: germline.
Comment: This sequence change replaces leucine, which is neutral and non-polar, with proline, which is neutral and non-polar, at codon 164 of the RAD51D protein (p.Leu164Pro). This variant is present in population databases (rs769287847, gnomAD 0.0009%). This missense change has been observed in individual(s) with ovarian or breast cancer (PMID: 26261251, 26976419, 34326862, 36315097). This variant is also known as c.551T>C (p.Leu184Pro). ClinVar contains an entry for this variant (Variation ID: 185310). Advanced modeling of protein sequence and biophysical properties (such as structural, functional, and spatial information, amino acid conservation, physicochemical variation, residue mobility, and thermodynamic stability) performed at Invitae indicates that this missense variant is expected to disrupt RAD51D protein function with a positive predictive value of 80%. In summary, the available evidence is currently insufficient to determine the role of this variant in disease. Therefore, it has been classified as a Variant of Uncertain Significance.

Ambry Genetics
Classification: Uncertain significance for Hereditary cancer-predisposing syndrome. Last evaluated: 2023-07-06. Review status: criteria provided, single submitter. Criteria: Ambry Variant Classification Scheme 2023. Collection method: clinical testing. Allele origin: germline.
Comment: The p.L164P variant (also known as c.491T>C), located in coding exon 6 of the RAD51D gene, results from a T to C substitution at nucleotide position 491. The leucine at codon 164 is replaced by proline, an amino acid with similar properties. This variant has been observed in individuals affected with breast or ovarian cancer (Song H et al. J Clin Oncol, 2015 Sep;33:2901-7, Tung N et al. J Clin Oncol, 2016 May;34:1460-8, Lerner-Ellis J et al. J Cancer Res Clin Oncol, 2021 Mar;147:871-879). This amino acid position is highly conserved in available vertebrate species. In addition, this alteration is predicted to be deleterious by in silico analysis. Since supporting evidence is limited at this time, the clinical significance of this alteration remains unclear.

Genetics and Molecular Pathology, SA Pathology
Classification: Uncertain significance for Breast-ovarian cancer, familial, susceptibility to, 4. Last evaluated: 2020-08-11. Review status: criteria provided, single submitter. Criteria: ACMG Guidelines, 2015. Collection method: clinical testing. Allele origin: germline. Affected: yes.

Department of Pathology and Laboratory Medicine, Sinai Health System
Classification: Uncertain significance for Malignant tumor of breast. Review status: no assertion criteria provided. Collection method: clinical testing. Allele origin: unknown. Affected: yes. Study: The Canadian Open Genetics Repository (COGR). Not counted in ClinVar's aggregate classification.
Comment: The RAD51D p.Leu164Pro variant was identified in 2 of 7834 proband chromosomes (frequency: 0.00025) from individuals or families with invasive epithelial ovarian cancer (EOC) and patients with stage I and III breast cancer and was not identified in 5544 control chromosomes from healthy individuals (Song 2015 26261251, Tung 2016 26976419). The variant was also identified in dbSNP (ID: rs769287847) as â€šÃ„ÃºWith Uncertain significance alleleâ€šÃ„Ã¹, ClinVar (3x as uncertain significance by Ambry Genetics, Invitae, Color Genomics) and Clinvitae (2x as uncertain significance). The variant was not identified in Cosmic and Zhejiang University Database. The variant was identified in control databases in 1 of 242382 chromosomes at a frequency of 0.000004 (Genome Aggregation Database Feb 27, 2017). The variant was observed in the European Non-Finnish population in 1 of 109822 chromosomes (freq: 0.000009), while the variant was not observed in the African, â€šÃ„ÃºOtherâ€šÃ„Ã¹, Latino, Ashkenazi Jewish, East Asian, Finnish, and South Asian populations. The variant was classified in the literature as potentially deleterious rare variant based on in silico analysis (Song 2015 26261251) and as uncertain significance based on ACMG criteria (Tung 2016 26976419). The p.Leu164 residue is conserved across mammals and computational analyses (PolyPhen-2, SIFT, AlignGVGD, BLOSUM, MutationTaster) suggest that the variant may impact the protein; however, this information is not predictive enough to assume pathogenicity. The variant occurs outside of the splicing consensus sequence and in silico or computational prediction software programs (SpliceSiteFinder, MaxEntScan, NNSPLICE, GeneSplicer, HumanSpliceFinder) do not predict a difference in splicing. In summary, based on the above information the clinical significance of this variant cannot be determined with certainty at this time. This variant is classified as a variant of uncertain significance.

Literature cited by the submitters: PubMed 26261251 (cited by 3 submitters); PubMed 26976419 (cited by 3 submitters); PubMed 32885271 (cited by Color Diagnostics, LLC DBA Color Health and Ambry Genetics); PubMed 34326862 (cited by Labcorp Genetics (formerly Invitae), Labcorp); PubMed 36315097 (cited by Labcorp Genetics (formerly Invitae), Labcorp).

NM_002878.4(RAD51D):c.491T>C (p.Leu164Pro)

Genes: RAD51D (RAD51 paralog D; minus strand), RAD51L3-RFFL (RAD51L3-RFFL readthrough; minus strand). Cytogenetic location: 17q12.
Variant type: single nucleotide variant.
Coding change: c.491T>C on transcript NM_002878.4 (MANE Select); coding-DNA position 491, T replaced by C.
Protein change: p.Leu164Pro; replaces leucine 164 with proline.
Molecular consequence: missense variant. On other transcripts: non-coding transcript variant (3).
Genome position (GRCh38, 1-based): chr17:35,106,471, A>G on the plus strand (T>C on the coding strand, the complement: RAD51D is on the minus strand). VCF-style: chr17-35106471-A-G. GRCh37 (hg19) VCF-style: chr17-33433490-A-G.
Other names: c.551T>C, p.Leu184Pro (NM_001142571.2); c.155T>C, p.Leu52Pro (NM_133629.3); short protein forms L164P, L184P, L52P.
Identifiers: ClinVar variation 185310 (VCV000185310.22), dbSNP rs769287847, ClinGen allele CA191589.